The following is an entry in ClinVar:

ClinVar aggregate classification (germline): Uncertain significance (1 of 4 stars; one submission).

Conditions:
Leukocyte adhesion deficiency 1 (LAD1). Also called: LEUKOCYTE ADHESION DEFICIENCY, TYPE I; LAD 1; Lymphocyte function-associated antigen 1 immunodeficiency; LFA 1 immunodeficiency. Identifiers: Orphanet 2968, Orphanet 99842, MedGen C0398738, MONDO:0007293, OMIM 116920.

Allele frequency attached by ClinVar (database versions not stated): gnomAD exomes below 0.00001.
gnomAD v4.1: 1 of 1,613,042 alleles (0.000062%); highest among the groups gnomAD compares: Non-Finnish European, 0.000085%; no homozygotes.

Submission:

Labcorp Genetics (formerly Invitae), Labcorp
Classification: Uncertain significance for Leukocyte adhesion deficiency 1. Last evaluated: 2022-11-19. Review status: criteria provided, single submitter. Criteria: Invitae Variant Classification Sherloc (09022015). Collection method: clinical testing. Allele origin: germline.
Comment: This variant has not been reported in the literature in individuals affected with ITGB2-related conditions. In summary, the available evidence is currently insufficient to determine the role of this variant in disease. Therefore, it has been classified as a Variant of Uncertain Significance. Algorithms developed to predict the effect of missense changes on protein structure and function (SIFT, PolyPhen-2, Align-GVGD) all suggest that this variant is likely to be tolerated. This variant is not present in population databases (gnomAD no frequency). This sequence change replaces alanine, which is neutral and non-polar, with valine, which is neutral and non-polar, at codon 697 of the ITGB2 protein (p.Ala697Val).

NM_000211.5(ITGB2):c.2090C>T (p.Ala697Val)

Gene: ITGB2 (integrin subunit beta 2; minus strand). Cytogenetic location: 21q22.3.
Variant type: single nucleotide variant.
Coding change: c.2090C>T on transcript NM_000211.5 (MANE Select); coding-DNA position 2090, C replaced by T.
Protein change: p.Ala697Val; replaces alanine 697 with valine.
Molecular consequence: missense variant.
Genome position (GRCh38, 1-based): chr21:44,886,893, G>A on the plus strand (C>T on the coding strand, the complement: ITGB2 is on the minus strand). VCF-style: chr21-44886893-G-A. GRCh37 (hg19) VCF-style: chr21-46306808-G-A.
Other names: c.2090C>T, p.Ala697Val (NM_001127491.3); c.1883C>T, p.Ala628Val (NM_001303238.2); short protein forms A628V, A697V.
Identifiers: ClinVar variation 1940864 (VCV001940864.5), dbSNP rs992022633, ClinGen allele CA321890890.